The following is an entry in ClinVar:

NM_001040108.2(MLH3):c.2691_2692delinsAT (p.Asn897_Glu898delinsLysTer)

Gene: MLH3 (mutL homolog 3; minus strand). Cytogenetic location: 14q24.3.
Variant type: Indel.
Coding change: c.2691_2692delinsAT on transcript NM_001040108.2 (MANE Select); coding-DNA positions 2691 to 2692, TG replaced by AT.
Protein change: p.Asn897_Glu898delinsLysTer.
Molecular consequence: nonsense.
Genome position (GRCh38, 1-based): chr14:75,046,964-75,046,965, CA replaced by AT on the plus strand (TG replaced by AT on the coding strand, the reverse complement: MLH3 is on the minus strand). VCF-style: chr14-75046964-CA-AT. GRCh37 (hg19) VCF-style: chr14-75513667-CA-AT.
Other names: c.2691_2692delinsAT, p.Asn897_Glu898delinsLysTer (NM_014381.3).
Identifiers: ClinVar variation 3607443 (VCV003607443.4).
Genomic context (GRCh38, chr14:75,046,964, plus strand): 5'-CTTGTGTTAACACACTGCACAACTTGCTGTCTTTCCTACTGGAATCTGAATTTGGAAGTT[CA>AT]TTAAAACGACTCATCATCCCCATTGTTTGAGTTTCTCTTTCGGAACCCTTCAGTCTGGAT-3'

ClinVar aggregate classification (germline): Conflicting classifications of pathogenicity. Review status: criteria provided, conflicting classifications (1 of 4 stars). 3 submissions from 3 submitters: Pathogenic (2); Uncertain significance (1). Last evaluated 2026-06-16.

Conditions:
Colorectal cancer, hereditary nonpolyposis, type 7. Identifiers: Orphanet 144, MedGen C1858380, MONDO:0013725, OMIM 614385.

Submissions (3):

Ambry Genetics
Classification: Pathogenic. Last evaluated: 2026-06-16. Review status: criteria provided, single submitter. Criteria: Ambry Variant Classification Scheme 2023. Collection method: clinical testing. Allele origin: germline.
Comment: The c.2691_2692delTGinsAT pathogenic mutation, located in coding exon 1 of the MLH3 gene, results from an in-frame deletion of TG and insertion of AT at nucleotide positions 2691 to 2692. This results in the substitution of the asparagine residue for a lysine residue at codon 897, and the glutamine residue for a premature stop codon at codon 898. This variant is expected to result in loss of function by premature protein truncation or nonsense-mediated mRNA decay. As such, this variant is interpreted as a disease-causing mutation.

Myriad Genetics, Inc.
Classification: Pathogenic for Colorectal cancer, hereditary nonpolyposis, type 7. Last evaluated: 2026-05-22. Review status: criteria provided, single submitter. Criteria: Myriad Autosomal Dominant, Autosomal Recessive and X-Linked Classification Criteria (2023). Collection method: clinical testing. Allele origin: unknown.
Comment: This variant is considered pathogenic. This variant creates a termination codon and is predicted to result in premature protein truncation.

Labcorp Genetics (formerly Invitae), Labcorp
Classification: Uncertain significance for Colorectal cancer, hereditary nonpolyposis, type 7. Last evaluated: 2024-11-13. Review status: criteria provided, single submitter. Criteria: Invitae Variant Classification Sherloc (09022015). Collection method: clinical testing. Allele origin: germline.
Comment: This sequence change creates a premature translational stop signal (p.Asn897_Glu898delinsLys*) in the MLH3 gene. It is expected to result in an absent or disrupted protein product. However, the current clinical and genetic evidence is not sufficient to establish whether loss-of-function variants in MLH3 cause disease. Information on the frequency of this variant in the gnomAD database is not available, as this variant may be reported differently in the database. This variant has not been reported in the literature in individuals affected with MLH3-related conditions. In summary, the available evidence is currently insufficient to determine the role of this variant in disease. Therefore, it has been classified as a Variant of Uncertain Significance.